The following is an entry in ClinVar:

NM_001008537.3(NEXMIF):c.413G>A (p.Cys138Tyr)

Gene: NEXMIF (neurite extension and migration factor; minus strand). Cytogenetic location: Xq13.3.
Variant type: single nucleotide variant.
Coding change: c.413G>A on transcript NM_001008537.3 (MANE Select); coding-DNA position 413, G replaced by A.
Protein change: p.Cys138Tyr; replaces cysteine 138 with tyrosine.
Molecular consequence: missense variant.
Genome position (GRCh38, 1-based): chrX:74,744,144, C>T on the plus strand (G>A on the coding strand, the complement: NEXMIF is on the minus strand). VCF-style: chrX-74744144-C-T. GRCh37 (hg19) VCF-style: chrX-73963979-C-T.
Other names: short protein forms C138Y.
Identifiers: ClinVar variation 946765 (VCV000946765.14), dbSNP rs754465132, ClinGen allele CA10455215.
Genomic context (GRCh38, chrX:74,744,144, plus strand): 5'-TCTACTGCATCCTTGGATTCCATGAAGCAGCCTAAGCAAGTCCGACTTGGCTGCATGAGA[C>T]AGTCCCCATTCAGAGCTGACATGCCTGCAGGCTCCATTATGGCAAATGGAGCTTTCTCAC-3'
Protein context (NP_001008537.1, residues 128-148): PAGMSALNGD[Cys138Tyr]LMQPSRTCLG

ClinVar aggregate classification (germline): Uncertain significance. Review status: criteria provided, multiple submitters, no conflicts (2 of 4 stars). 3 submissions from 3 submitters: Uncertain significance (3). Last evaluated 2025-07-18.

Allele frequency attached by ClinVar (database versions not stated): gnomAD exomes 0.00001; ExAC 0.00002; TOPMed 0.00003; gnomAD 0.00004 and 0.00005.
gnomAD v4.1: 9 of 1,209,618 alleles (0.00074%); highest among the groups gnomAD compares: African/African-American, 0.0053%; no homozygotes.

Submissions (3):

Labcorp Genetics (formerly Invitae), Labcorp
Classification: Uncertain significance. Last evaluated: 2025-07-18. Review status: criteria provided, single submitter. Criteria: Invitae Variant Classification Sherloc (09022015). Collection method: clinical testing. Allele origin: germline.
Comment: This sequence change replaces cysteine, which is neutral and slightly polar, with tyrosine, which is neutral and polar, at codon 138 of the NEXMIF protein (p.Cys138Tyr). This variant is present in population databases (rs754465132, gnomAD 0.01%), including at least one homozygous and/or hemizygous individual. This variant has not been reported in the literature in individuals affected with NEXMIF-related conditions. ClinVar contains an entry for this variant (Variation ID: 946765). An algorithm developed to predict the effect of missense changes on protein structure and function (PolyPhen-2) suggests that this variant is likely to be disruptive. In summary, the available evidence is currently insufficient to determine the role of this variant in disease. Therefore, it has been classified as a Variant of Uncertain Significance.

Ambry Genetics
Classification: Uncertain significance. Last evaluated: 2025-03-31. Review status: criteria provided, single submitter. Criteria: Ambry Variant Classification Scheme 2023. Collection method: clinical testing. Allele origin: germline.

GeneDx
Classification: Uncertain significance. Last evaluated: 2022-05-11. Review status: criteria provided, single submitter. Criteria: GeneDx Variant Classification Process June 2021. Collection method: clinical testing. Allele origin: germline. Affected: yes.
Comment: In silico analysis supports that this missense variant has a deleterious effect on protein structure/function; Has not been previously published as pathogenic or benign to our knowledge